The following is an entry in ClinVar:

ClinVar aggregate classification (germline): Pathogenic (1 of 4 stars; one submission).

Conditions:
X-linked myopathy with postural muscle atrophy. Also called: FHL1-Related Emery-Dreifuss Muscular Dystrophy, X-Linked. Identifiers: Orphanet 178461, MedGen C2678055, MONDO:0010401, OMIM 300696.

Submission:

Labcorp Genetics (formerly Invitae), Labcorp
Classification: Pathogenic for X-linked myopathy with postural muscle atrophy. Last evaluated: 2024-02-07. Review status: criteria provided, single submitter. Criteria: Invitae Variant Classification Sherloc (09022015). Collection method: clinical testing. Allele origin: germline.
Comment: This sequence change results in a frameshift in the FHL1 gene (p.His251Profs*33). While this is not anticipated to result in nonsense mediated decay, it is expected to disrupt the last 30 amino acid(s) of the FHL1 protein and extend the protein by 2 additional amino acid residues. This variant is not present in population databases (gnomAD no frequency). This variant has not been reported in the literature in individuals affected with FHL1-related conditions. This variant disrupts a region of the FHL1 protein in which other variant(s) (p.Cys276Tyr) have been determined to be pathogenic (PMID: 19716112). This suggests that this is a clinically significant region of the protein, and that variants that disrupt it are likely to be disease-causing. For these reasons, this variant has been classified as Pathogenic.

Literature cited by the submitters: PubMed 19716112.

NM_001159699.2(FHL1):c.797dup (p.His267fs)

Gene: FHL1 (four and a half LIM domains 1; plus strand). Cytogenetic location: Xq26.3.
Variant type: Duplication.
Coding change: c.797dup on transcript NM_001159699.2 (MANE Select); coding-DNA position 797, one base duplicated (T; older notation c.797dupT).
Protein change: p.His267fs; shifts the reading frame from histidine 267.
Molecular consequence: frameshift variant. On other transcripts: non-coding transcript variant (1).
Genome position (GRCh38, 1-based): chrX:136,209,931, T duplicated; the last of 2 consecutive T bases (chrX:136,209,930-136,209,931); duplicating either gives the same sequence. VCF-style (leftmost placement, unchanged base first): chrX-136209929-C-CT. GRCh37 (hg19) VCF-style: chrX-135292088-C-CT.
Other names: c.949dup, p.Ser317fs (NM_001159702.3, NM_001369326.1, NM_001369327.2 and 1 more transcripts); c.562dup, p.Ser188fs (NM_001159703.2); c.749dup, p.His251fs (NM_001159704.1, NM_001167819.1, NM_001369329.1 and 4 more transcripts); c.610dup, p.Ser204fs (NM_001330659.2); c.836dup, p.His280fs (NM_001159701.2); short protein forms H251fs, S188fs, H267fs, H280fs, S204fs, S317fs.
Identifiers: ClinVar variation 3673153 (VCV003673153.2).